The following is an entry in ClinVar:

NM_024675.4(PALB2):c.606del (p.Lys203fs)

Gene: PALB2 (partner and localizer of BRCA2; minus strand). Cytogenetic location: 16p12.2.
Variant type: Deletion.
Coding change: c.606del on transcript NM_024675.4 (MANE Select); coding-DNA position 606, one base deleted (T; older notation c.606delT).
Protein change: p.Lys203fs; shifts the reading frame from lysine 203.
Molecular consequence: frameshift variant.
Genome position (GRCh38, 1-based): chr16:23,635,940, A deleted on the plus strand (T on the coding strand, the reverse complement: PALB2 is on the minus strand); the first of 2 consecutive A bases (chr16:23,635,940-23,635,941); deleting either gives the same sequence. VCF-style (leftmost placement, unchanged base first): chr16-23635939-TA-T. GRCh37 (hg19) VCF-style: chr16-23647260-TA-T.
Other names: c.545delT, p.Lys183Asnfs (NM_001407296.1); c.605delT, p.Lys203Asnfs (NM_001407297.1, NM_001407298.1, NM_001407299.1 and 3 more transcripts); c.-281delT (NM_001407304.1, NM_001407305.1, NM_001407306.1 and 5 more transcripts); c.606delT (NM_024675.3); short protein forms K203fs.
Identifiers: ClinVar variation 1751380 (VCV001751380.2), dbSNP rs2506505979, ClinGen allele CA2580091360.

ClinVar aggregate classification (germline): Pathogenic (1 of 4 stars; one submission).

Conditions:
Hereditary cancer-predisposing syndrome. Also called: Hereditary Cancer Syndrome; Hereditary neoplastic syndrome; Neoplastic Syndromes, Hereditary; Tumor predisposition. Identifiers: Orphanet 140162, MedGen C0027672, MeSH D009386, MONDO:0015356.

Submission:

Ambry Genetics
Classification: Pathogenic for Hereditary cancer-predisposing syndrome. Last evaluated: 2019-04-25. Review status: criteria provided, single submitter. Criteria: Ambry Variant Classification Scheme 2023. Collection method: clinical testing. Allele origin: germline.
Comment: The c.606delT pathogenic mutation, located in coding exon 4 of the PALB2 gene, results from a deletion of one nucleotide at nucleotide position 606, causing a translational frameshift with a predicted alternate stop codon (p.K203Nfs*20). This alteration is expected to result in loss of function by premature protein truncation or nonsense-mediated mRNA decay. As such, this alteration is interpreted as a disease-causing mutation.